The following is an entry in ClinVar:

NM_199355.4(ADAMTS18):c.2297C>T (p.Pro766Leu)

Gene: ADAMTS18 (ADAM metallopeptidase with thrombospondin type 1 motif 18; minus strand). Cytogenetic location: 16q23.1.
Variant type: single nucleotide variant.
Coding change: c.2297C>T on transcript NM_199355.4 (MANE Select); coding-DNA position 2297, C replaced by T.
Protein change: p.Pro766Leu; replaces proline 766 with leucine.
Molecular consequence: missense variant.
Genome position (GRCh38, 1-based): chr16:77,320,084, G>A on the plus strand (C>T on the coding strand, the complement: ADAMTS18 is on the minus strand). VCF-style: chr16-77320084-G-A. GRCh37 (hg19) VCF-style: chr16-77353981-G-A.
Other names: c.1781C>T, p.Pro594Leu (NM_001326358.2); c.2297C>T (NM_199355.2); short protein forms P594L, P766L.
Identifiers: ClinVar variation 1471274 (VCV001471274.9), dbSNP rs760821227, ClinGen allele CA8180960.

ClinVar aggregate classification (germline): Uncertain significance. Review status: criteria provided, multiple submitters, no conflicts (2 of 4 stars). 2 submissions from 2 submitters: Uncertain significance (2). Last evaluated 2022-12-13.

Conditions:
Inborn genetic diseases. Identifiers: MedGen C0950123, MeSH D030342.

Allele frequency attached by ClinVar (database versions not stated): ExAC 0.00001; TOPMed 0.00001; gnomAD exomes 0.00002; gnomAD 0.00004 and 0.00005.
gnomAD v4.1: 37 of 1,613,988 alleles (0.0023%); highest among the groups gnomAD compares: African/African-American, 0.0027%; no homozygotes.

Submissions (2):

Ambry Genetics
Classification: Uncertain significance for Inborn genetic diseases. Last evaluated: 2022-12-13. Review status: criteria provided, single submitter. Criteria: Ambry Variant Classification Scheme 2023. Collection method: clinical testing. Allele origin: germline.

Labcorp Genetics (formerly Invitae), Labcorp
Classification: Uncertain significance. Last evaluated: 2022-08-16. Review status: criteria provided, single submitter. Criteria: Invitae Variant Classification Sherloc (09022015). Collection method: clinical testing. Allele origin: germline.
Comment: This variant is present in population databases (rs760821227, gnomAD 0.008%). In summary, the available evidence is currently insufficient to determine the role of this variant in disease. Therefore, it has been classified as a Variant of Uncertain Significance. Algorithms developed to predict the effect of missense changes on protein structure and function are either unavailable or do not agree on the potential impact of this missense change (SIFT: "Not Available"; PolyPhen-2: "Benign"; Align-GVGD: "Not Available"). ClinVar contains an entry for this variant (Variation ID: 1471274). This variant has not been reported in the literature in individuals affected with ADAMTS18-related conditions. This sequence change replaces proline, which is neutral and non-polar, with leucine, which is neutral and non-polar, at codon 766 of the ADAMTS18 protein (p.Pro766Leu).